The following is an entry in ClinVar:

ClinVar aggregate classification (germline): Uncertain significance (1 of 4 stars; one submission).

Conditions:
Familial thoracic aortic aneurysm and aortic dissection (TAAD). Also called: Thoracic aortic aneurysms and dissections. Identifiers: Orphanet 91387, MedGen C4707243, MONDO:0019625.
Hereditary cancer-predisposing syndrome. Also called: Neoplastic Syndromes, Hereditary; Tumor predisposition; Hereditary Cancer Syndrome; Hereditary neoplastic syndrome. Identifiers: Orphanet 140162, MedGen C0027672, MeSH D009386, MONDO:0015356.

Submission:

Ambry Genetics
Classification: Uncertain significance for Hereditary cancer-predisposing syndrome; Familial thoracic aortic aneurysm and aortic dissection. Last evaluated: 2025-06-20. Review status: criteria provided, single submitter. Criteria: Ambry Variant Classification Scheme 2023. Collection method: clinical testing. Allele origin: germline.
Comment: The p.P346S variant (also known as c.1036C>T), located in coding exon 8 of the SMAD4 gene, results from a C to T substitution at nucleotide position 1036. The proline at codon 346 is replaced by serine, an amino acid with similar properties. This amino acid position is conserved. In addition, this alteration is predicted to be deleterious by in silico analysis. Based on the available evidence, the clinical significance of this variant remains unclear.

NM_005359.6(SMAD4):c.1036C>T (p.Pro346Ser)

Gene: SMAD4 (SMAD family member 4; plus strand). Cytogenetic location: 18q21.2.
Variant type: single nucleotide variant.
Coding change: c.1036C>T on transcript NM_005359.6 (MANE Select); coding-DNA position 1036, C replaced by T.
Protein change: p.Pro346Ser; replaces proline 346 with serine.
Molecular consequence: missense variant. On other transcripts: non-coding transcript variant (2).
Genome position (GRCh38, 1-based): chr18:51,065,503, C>T. VCF-style: chr18-51065503-C-T. GRCh37 (hg19) VCF-style: chr18-48591873-C-T.
Other names: c.1036C>T, p.Pro346Ser (NM_001407041.1, NM_001407042.1, NM_001407043.1); short protein forms P346S.
Identifiers: ClinVar variation 4170037 (VCV004170037.1).
Genomic context (GRCh38, chr18:51,065,503, plus strand): 5'-ATTGCTTACTTTGAAATGGATGTTCAGGTAGGAGAGACATTTAAGGTTCCTTCAAGCTGC[C>T]CTATTGTTACTGTTGATGGATACGTGGACCCTTCTGGAGGAGATCGCTTTTGTTTGGGTC-3'
Protein context (NP_005350.1, residues 336-356): GETFKVPSSC[Pro346Ser]IVTVDGYVDP